The following is an entry in ClinVar:

ClinVar aggregate classification (germline): Likely benign (1 of 4 stars; one submission).

Conditions:
Retinitis pigmentosa (RP). Identifiers: Orphanet 791, MedGen C0035334, MeSH D012174, MONDO:0019200, OMIM 268000. Inheritance: Autosomal dominant, autosomal recessive and X linked inheritance.

Allele frequency attached by ClinVar (database versions not stated): ExAC 0.00032; gnomAD 0.00062 and 0.00107; TOPMed 0.00104; gnomAD exomes 0.00317; 1000 Genomes Project 0.00639; 1000 Genomes Project 30x 0.00781.
gnomAD v4.1: 377 of 389,476 alleles (0.097%); highest among the groups gnomAD compares: East Asian, 2.8%; 5 homozygotes.

Submission:

Illumina Laboratory Services, Illumina
Classification: Likely benign for Retinitis pigmentosa. Last evaluated: 2018-01-13. Review status: criteria provided, single submitter. Criteria: ICSL Variant Classification Criteria 13 December 2019. Collection method: clinical testing. Allele origin: germline.
Comment: This variant was observed in the ICSL laboratory as part of a predisposition screen in an ostensibly healthy population. It had not been previously curated by ICSL or reported in the Human Gene Mutation Database (HGMD: prior to June 1st, 2018), and was therefore a candidate for classification through an automated scoring system. Utilizing variant allele frequency, disease prevalence and penetrance estimates, and inheritance mode, an automated score was calculated to assess if this variant is too frequent to cause the disease. Based on the score and internal cut-off values, a variant classified as likely benign is not then subjected to further curation. The score for this variant resulted in a classification of likely benign for this disease.

NM_201548.5(CERKL):c.*472A>T

Genes: CERKL (CERK like autophagy regulator; minus strand), ITGA4 (integrin subunit alpha 4; plus strand). Cytogenetic location: 2q31.3.
Variant type: single nucleotide variant.
Coding change: c.*472A>T on transcript NM_201548.5 (MANE Select); 472 bases downstream of the stop codon, A replaced by T.
Molecular consequence: 3 prime UTR variant. On other transcripts: non-coding transcript variant (2).
Genome position (GRCh38, 1-based): chr2:181,537,712, T>A on the plus strand (A>T on the coding strand, the complement: CERKL is on the minus strand). VCF-style: chr2-181537712-T-A. GRCh37 (hg19) VCF-style: chr2-182402439-T-A.
Other names: c.*2185T>A (NM_000885.6); c.*472A>T (NM_001030311.3, NM_001030312.3, NM_001030313.3 and 1 more transcripts).
Identifiers: ClinVar variation 332994 (VCV000332994.5), dbSNP rs193186986, ClinGen allele CA2010297.
Genomic context (GRCh38, chr2:181,537,712, plus strand): 5'-ATCCAAATTATTTCAGAATTATCTAGGTTAAATATTGATGTATTATGATGGTTGCAAAGT[T>A]TTTTTGTGTGTCCAATAAACACATTGTAAAAAAAAGAATTTGAATTGATATCTAAAAACA-3'